The following is an entry in ClinVar:

ClinVar aggregate classification (germline): Uncertain significance. Review status: criteria provided, multiple submitters, no conflicts (2 of 4 stars). 2 submissions from 2 submitters: Uncertain significance (2). Last evaluated 2024-04-24.

Conditions:
Multiple endocrine neoplasia, type 2 (MEN2). Identifiers: Orphanet 653, MedGen C4048306, MONDO:0019003. Disease mechanism: gain of function.
Hereditary cancer-predisposing syndrome. Also called: Tumor predisposition; Neoplastic Syndromes, Hereditary; Hereditary neoplastic syndrome; Hereditary Cancer Syndrome. Identifiers: Orphanet 140162, MedGen C0027672, MeSH D009386, MONDO:0015356.

Allele frequency attached by ClinVar (database versions not stated): TOPMed 0.00001.

Submissions (2):

Labcorp Genetics (formerly Invitae), Labcorp
Classification: Uncertain significance for Multiple endocrine neoplasia, type 2. Last evaluated: 2024-04-24. Review status: criteria provided, single submitter. Criteria: Invitae Variant Classification Sherloc (09022015). Collection method: clinical testing. Allele origin: germline.
Comment: This sequence change replaces threonine, which is neutral and polar, with isoleucine, which is neutral and non-polar, at codon 470 of the RET protein (p.Thr470Ile). This variant is not present in population databases (gnomAD no frequency). This variant has not been reported in the literature in individuals affected with RET-related conditions. ClinVar contains an entry for this variant (Variation ID: 849510). An algorithm developed to predict the effect of missense changes on protein structure and function (PolyPhen-2) suggests that this variant is likely to be tolerated. In summary, the available evidence is currently insufficient to determine the role of this variant in disease. Therefore, it has been classified as a Variant of Uncertain Significance.

Ambry Genetics
Classification: Uncertain significance for Hereditary cancer-predisposing syndrome. Last evaluated: 2024-03-01. Review status: criteria provided, single submitter. Criteria: Ambry Variant Classification Scheme 2023. Collection method: clinical testing. Allele origin: germline.
Comment: The p.T470I variant (also known as c.1409C>T), located in coding exon 7 of the RET gene, results from a C to T substitution at nucleotide position 1409. The threonine at codon 470 is replaced by isoleucine, an amino acid with similar properties. This amino acid position is conserved. In addition, this alteration is predicted to be tolerated by in silico analysis. Based on the available evidence, the clinical significance of this alteration remains unclear.

NM_020975.6(RET):c.1409C>T (p.Thr470Ile)

Gene: RET (ret proto-oncogene; plus strand). Cytogenetic location: 10q11.21.
Variant type: single nucleotide variant.
Coding change: c.1409C>T on transcript NM_020975.6 (MANE Select); coding-DNA position 1409, C replaced by T.
Protein change: p.Thr470Ile; replaces threonine 470 with isoleucine.
Molecular consequence: missense variant.
Genome position (GRCh38, 1-based): chr10:43,111,352, C>T. VCF-style: chr10-43111352-C-T. GRCh37 (hg19) VCF-style: chr10-43606800-C-T.
Other names: c.1409C>T, p.Thr470Ile (NM_000323.2, NM_001406743.1, NM_001406744.1 and 6 more transcripts); c.647C>T, p.Thr216Ile (NM_001355216.2); c.1280C>T, p.Thr427Ile (NM_001406761.1, NM_001406762.1, NM_001406764.1 and 1 more transcripts); c.1121C>T, p.Thr374Ile (NM_001406766.1, NM_001406767.1, NM_001406770.1); c.1013C>T, p.Thr338Ile (NM_001406769.1, NM_001406772.1); c.971C>T, p.Thr324Ile (NM_001406771.1, NM_001406773.1); c.884C>T, p.Thr295Ile (NM_001406774.1); c.683C>T, p.Thr228Ile (NM_001406775.1, NM_001406776.1, NM_001406777.1 and 1 more transcripts); and 1 more; short protein forms T470I, T216I, T140I, T228I, T338I, T427I, T295I, T374I.
Identifiers: ClinVar variation 849510 (VCV000849510.11), dbSNP rs925104163, ClinGen allele CA206261381.